The following is an entry in ClinVar:

NM_001365276.2(TNXB):c.3731C>A (p.Thr1244Asn)

Gene: TNXB (tenascin XB; minus strand). Cytogenetic location: 6p21.33.
Variant type: single nucleotide variant.
Coding change: c.3731C>A on transcript NM_001365276.2 (MANE Select); coding-DNA position 3731, C replaced by A.
Protein change: p.Thr1244Asn; replaces threonine 1244 with asparagine.
Molecular consequence: missense variant.
Genome position (GRCh38, 1-based): chr6:32,082,041, G>T on the plus strand (C>A on the coding strand, the complement: TNXB is on the minus strand). VCF-style: chr6-32082041-G-T. GRCh37 (hg19) VCF-style: chr6-32049818-G-T.
Other names: c.4472C>A, p.Thr1491Asn (NM_001428335.1); c.3731C>A, p.Thr1244Asn (NM_019105.8); short protein forms T1491N, T1244N.
Identifiers: ClinVar variation 4188691 (VCV004188691.1).

ClinVar aggregate classification (germline): Uncertain significance (1 of 4 stars; one submission).

Conditions:
Cardiovascular phenotype. Identifiers: MedGen CN230736.

Submission:

Ambry Genetics
Classification: Uncertain significance for Cardiovascular phenotype. Last evaluated: 2025-07-12. Review status: criteria provided, single submitter. Criteria: Ambry Variant Classification Scheme 2023. Collection method: clinical testing. Allele origin: germline.
Comment: The p.T1244N variant (also known as c.3731C>A), located in coding exon 8 of the TNXB gene, results from a C to A substitution at nucleotide position 3731. The threonine at codon 1244 is replaced by asparagine, an amino acid with similar properties. This amino acid position is conserved. In addition, this alteration is predicted to be tolerated by in silico analysis. Based on the available evidence, the clinical significance of this variant remains unclear.